The following is an entry in ClinVar:

NM_001365536.1(SCN9A):c.1692A>G (p.Ile564Met)

Genes: SCN9A (sodium voltage-gated channel alpha subunit 9; minus strand), SCN1A-AS1 (SCN1A and SCN9A antisense RNA 1; plus strand). Cytogenetic location: 2q24.3.
Variant type: single nucleotide variant.
Coding change: c.1692A>G on transcript NM_001365536.1 (MANE Select); coding-DNA position 1692, A replaced by G.
Protein change: p.Ile564Met; replaces isoleucine 564 with methionine.
Molecular consequence: missense variant.
Genome position (GRCh38, 1-based): chr2:166,284,735, T>C on the plus strand (A>G on the coding strand, the complement: SCN9A is on the minus strand). VCF-style: chr2-166284735-T-C. GRCh37 (hg19) VCF-style: chr2-167141245-T-C.
Other names: c.1692A>G, p.Ile564Met (NM_002977.4); short protein forms I564M.
Identifiers: ClinVar variation 1383495 (VCV001383495.6), dbSNP rs887375124, ClinGen allele CA59799629.

ClinVar aggregate classification (germline): Uncertain significance (1 of 4 stars; one submission).

Conditions:
Neuropathy, hereditary sensory and autonomic, type 2A (HSAN2A). Also called: WNK1-Related HSAN2 (HSAN2A); MORVAN DISEASE; NEUROPATHY, CONGENITAL SENSORY; NEUROPATHY, HEREDITARY SENSORY RADICULAR, AUTOSOMAL RECESSIVE; NEUROPATHY, HEREDITARY SENSORY, TYPE IIA; NEUROPATHY, PROGRESSIVE SENSORY, OF CHILDREN. Identifiers: Orphanet 970, MedGen C2752089, MONDO:0024309, OMIM 201300.
Generalized epilepsy with febrile seizures plus, type 7 (GEFSP7). Also called: GEFS+, TYPE 7. Identifiers: Orphanet 36387, MedGen C2751778, MONDO:0013470, OMIM 613863.

Allele frequency attached by ClinVar (database versions not stated): TOPMed 0.00001; gnomAD exomes below 0.00001; gnomAD 0.00001.
gnomAD v4.1: 2 of 1,613,842 alleles (0.00012%); highest among the groups gnomAD compares: African/African-American, 0.0027%; no homozygotes.

Submission:

Labcorp Genetics (formerly Invitae), Labcorp
Classification: Uncertain significance for Neuropathy, hereditary sensory and autonomic, type 2A; Generalized epilepsy with febrile seizures plus, type 7. Last evaluated: 2024-05-28. Review status: criteria provided, single submitter. Criteria: Invitae Variant Classification Sherloc (09022015). Collection method: clinical testing. Allele origin: germline.
Comment: This sequence change replaces isoleucine, which is neutral and non-polar, with methionine, which is neutral and non-polar, at codon 564 of the SCN9A protein (p.Ile564Met). This variant is not present in population databases (gnomAD no frequency). This variant has not been reported in the literature in individuals affected with SCN9A-related conditions. ClinVar contains an entry for this variant (Variation ID: 1383495). Advanced modeling of protein sequence and biophysical properties (such as structural, functional, and spatial information, amino acid conservation, physicochemical variation, residue mobility, and thermodynamic stability) performed at Invitae indicates that this missense variant is not expected to disrupt SCN9A protein function with a negative predictive value of 95%. In summary, the available evidence is currently insufficient to determine the role of this variant in disease. Therefore, it has been classified as a Variant of Uncertain Significance.